The following is an entry in ClinVar:

ClinVar aggregate classification (germline): Uncertain significance (1 of 4 stars; one submission).

gnomAD v4.1: 14 of 1,565,648 alleles (0.00089%); highest among the groups gnomAD compares: African/African-American, 0.0014%; no homozygotes.

Submission:

CeGaT Center for Human Genetics Tuebingen
Classification: Uncertain significance. Last evaluated: 2025-02-01. Review status: criteria provided, single submitter. Criteria: CeGaT Center For Human Genetics Tuebingen Variant Classification Criteria Version 2. Collection method: clinical testing. Allele origin: germline. Affected: yes. Observed: 1 variant allele.
Comment: SPTA1: PM2

NM_003126.4(SPTA1):c.6799G>T (p.Gly2267Cys)

Gene: SPTA1 (spectrin alpha, erythrocytic 1; minus strand). Cytogenetic location: 1q23.1.
Variant type: single nucleotide variant.
Coding change: c.6799G>T on transcript NM_003126.4 (MANE Select); coding-DNA position 6799, G replaced by T.
Protein change: p.Gly2267Cys; replaces glycine 2267 with cysteine.
Molecular consequence: missense variant.
Genome position (GRCh38, 1-based): chr1:158,614,296, C>A on the plus strand (G>T on the coding strand, the complement: SPTA1 is on the minus strand). VCF-style: chr1-158614296-C-A. GRCh37 (hg19) VCF-style: chr1-158584086-C-A.
Other names: short protein forms G2267C.
Identifiers: ClinVar variation 3771780 (VCV003771780.13).
Genomic context (GRCh38, chr1:158,614,296, plus strand): 5'-TATGAAATTATACTCACTTATAGATTGTGCTAAATTCCTTTAGAGTCTCTTCACTCACAC[C>A]TTTGATGTCCCTGAAAGAAAAAAAAAAAACATGAATTTTCCCTGTATATGAAACACAGGT-3'
Protein context (NP_003117.2, residues 2257-2277): EQQIQAKDIK[Gly2267Cys]VSEETLKEFS